The following is an entry in ClinVar:

NM_000152.5(GAA):c.874T>C (p.Tyr292His)

Gene: GAA (alpha glucosidase; plus strand). Cytogenetic location: 17q25.3.
Variant type: single nucleotide variant.
Coding change: c.874T>C on transcript NM_000152.5 (MANE Select); coding-DNA position 874, T replaced by C.
Protein change: p.Tyr292His; replaces tyrosine 292 with histidine.
Molecular consequence: missense variant.
Genome position (GRCh38, 1-based): chr17:80,107,815, T>C. VCF-style: chr17-80107815-T-C. GRCh37 (hg19) VCF-style: chr17-78081614-T-C.
Other names: c.874T>C, p.Tyr292His (NM_001079803.3, NM_001079804.3, NM_001406741.1 and 1 more transcripts); short protein forms Y292H.
Identifiers: ClinVar variation 2441613 (VCV002441613.7), dbSNP rs2510359237, ClinGen allele CA401363862.

ClinVar aggregate classification (germline): Conflicting classifications of pathogenicity. Review status: criteria provided, conflicting classifications (1 of 4 stars). 3 submissions from 3 submitters: Likely pathogenic (1); Uncertain significance (2). Last evaluated 2026-07-01.

Conditions:
Glycogen storage disease, type II (IOPD). Also called: CARDIOMEGALIA GLYCOGENICA DIFFUSA; GLYCOGENOSIS, GENERALIZED, CARDIAC FORM; GSD II; Glycogen storage disease type 2; Acid maltase deficiency disease; Aglucosidase alfa. Identifiers: Orphanet 365, MedGen C0017921, MONDO:0009290, OMIM 232300.

Allele frequency attached by ClinVar (database versions not stated): gnomAD exomes below 0.00001.
gnomAD v4.1: 1 of 1,611,918 alleles (0.000062%); highest among the groups gnomAD compares: African/African-American, 0.0013%; no homozygotes.

Submissions (3):

Genomenon, Inc
Classification: Uncertain significance for Glycogen storage disease, type II. Last evaluated: 2026-07-01. Review status: criteria provided, single submitter. Criteria: Genomenon Sequence Variant Interpretation Standards - Updated. Collection method: curation. Allele origin: germline. Affected: yes.
Comment: GAA p.Tyr292His (c.874T>C) is a missense variant that changes the amino acid at codon 292 from Tyrosine to Histidine. This variant has been observed in at least one proband with a GAA-related disorder (PMID:40225932). It is absent or not present at a significant frequency in gnomAD. In silico models predict that this variant is possibly or probably damaging. In conclusion, we classify GAA p.Tyr292His (c.874T>C) as a variant of uncertain significance.

Labcorp Genetics (formerly Invitae), Labcorp
Classification: Likely pathogenic for Glycogen storage disease, type II. Last evaluated: 2022-11-03. Review status: criteria provided, single submitter. Criteria: Invitae Variant Classification Sherloc (09022015). Collection method: clinical testing. Allele origin: germline.
Comment: This sequence change replaces tyrosine, which is neutral and polar, with histidine, which is basic and polar, at codon 292 of the GAA protein (p.Tyr292His). This variant is not present in population databases (gnomAD no frequency). In summary, the currently available evidence indicates that the variant is pathogenic, but additional data are needed to prove that conclusively. Therefore, this variant has been classified as Likely Pathogenic. This variant disrupts the p.Tyr292 amino acid residue in GAA. Other variant(s) that disrupt this residue have been determined to be pathogenic (PMID: 10528311, 21940687, 23884227, 25213570). This suggests that this residue is clinically significant, and that variants that disrupt this residue are likely to be disease-causing. Advanced modeling of protein sequence and biophysical properties (such as structural, functional, and spatial information, amino acid conservation, physicochemical variation, residue mobility, and thermodynamic stability) performed at Invitae indicates that this missense variant is expected to disrupt GAA protein function. This variant has not been reported in the literature in individuals affected with GAA-related conditions.

Revvity Omics, Revvity
Classification: Uncertain significance. Last evaluated: 2019-11-30. Review status: criteria provided, single submitter. Criteria: ACMG Guidelines, 2015. Collection method: clinical testing. Allele origin: germline.

Literature cited by the submitters: PubMed 40225932 (cited by Genomenon, Inc); PubMed 10528311 (cited by Labcorp Genetics (formerly Invitae), Labcorp); PubMed 21940687 (cited by Labcorp Genetics (formerly Invitae), Labcorp); PubMed 23884227 (cited by Labcorp Genetics (formerly Invitae), Labcorp); PubMed 25213570 (cited by Labcorp Genetics (formerly Invitae), Labcorp).